The following is an entry in ClinVar:

ClinVar aggregate classification (germline): Uncertain significance. Review status: criteria provided, multiple submitters, no conflicts (2 of 4 stars). 3 submissions from 3 submitters: Uncertain significance (3). Last evaluated 2025-03-31.

Conditions:
BNAR syndrome. Also called: Bifid Nose With or Without Anorectal and Renal Anomalies (BNAR) Syndrome. Identifiers: Orphanet 217266, MedGen C2750433, MONDO:0012165, OMIM 608980.
Oculotrichoanal syndrome (MOTA). Also called: Manitoba Oculotrichoanal (MOTA) Syndrome; MARLES SYNDROME. Identifiers: Orphanet 2717, MedGen C1855425, MONDO:0009560, OMIM 248450.
Trigonocephaly 2 (TRIGNO2). Identifiers: Orphanet 3366, MedGen C3280974, MONDO:0013774, OMIM 614485.
Inborn genetic diseases. Identifiers: MedGen C0950123, MeSH D030342.

Allele frequency attached by ClinVar (database versions not stated): ExAC 0.00006; gnomAD exomes 0.00006 and 0.00010; gnomAD 0.00008 and 0.00009; TOPMed 0.00009.
gnomAD v4.1: 95 of 1,613,052 alleles (0.0059%); highest among the groups gnomAD compares: Admixed American, 0.012%; no homozygotes.

Submissions (3):

Labcorp Genetics (formerly Invitae), Labcorp
Classification: Uncertain significance. Last evaluated: 2025-03-31. Review status: criteria provided, single submitter. Criteria: Invitae Variant Classification Sherloc (09022015). Collection method: clinical testing. Allele origin: germline.
Comment: This sequence change replaces arginine, which is basic and polar, with cysteine, which is neutral and slightly polar, at codon 2144 of the FREM1 protein (p.Arg2144Cys). This variant is present in population databases (rs747977032, gnomAD 0.05%). This variant has not been reported in the literature in individuals affected with FREM1-related conditions. ClinVar contains an entry for this variant (Variation ID: 1406788). An algorithm developed to predict the effect of missense changes on protein structure and function (PolyPhen-2) suggests that this variant is likely to be disruptive. In summary, the available evidence is currently insufficient to determine the role of this variant in disease. Therefore, it has been classified as a Variant of Uncertain Significance.

Ambry Genetics
Classification: Uncertain significance for Inborn genetic diseases. Last evaluated: 2024-08-19. Review status: criteria provided, single submitter. Criteria: Ambry Variant Classification Scheme 2023. Collection method: clinical testing. Allele origin: germline.

Fulgent Genetics
Classification: Uncertain significance for Oculotrichoanal syndrome; BNAR syndrome; Trigonocephaly 2. Last evaluated: 2021-12-29. Review status: criteria provided, single submitter. Criteria: ACMG Guidelines, 2015. Collection method: clinical testing. Allele origin: unknown.

NM_001379081.2(FREM1):c.6430C>T (p.Arg2144Cys)

Gene: FREM1 (FRAS1 related extracellular matrix 1; minus strand). Cytogenetic location: 9p22.3.
Variant type: single nucleotide variant.
Coding change: c.6430C>T on transcript NM_001379081.2 (MANE Select); coding-DNA position 6430, C replaced by T.
Protein change: p.Arg2144Cys; replaces arginine 2144 with cysteine.
Molecular consequence: missense variant. On other transcripts: 3 prime UTR variant (1), non-coding transcript variant (3).
Genome position (GRCh38, 1-based): chr9:14,737,506, G>A on the plus strand (C>T on the coding strand, the complement: FREM1 is on the minus strand). VCF-style: chr9-14737506-G-A. GRCh37 (hg19) VCF-style: chr9-14737504-G-A.
Other names: c.2038C>T, p.Arg680Cys (NM_001177704.3, NM_001370061.2); c.*41C>T (NM_001370058.2); c.6430C>T, p.Arg2144Cys (NM_144966.7); short protein forms R680C, R2144C.
Identifiers: ClinVar variation 1406788 (VCV001406788.8), dbSNP rs747977032, ClinGen allele CA4989389.
Genomic context (GRCh38, chr9:14,737,506, plus strand): 5'-CTTTTGTTTGCCATTTCCCTTGTCTTTGAACCAAAACACAGCTCTTTCCAAGCTTGGAGC[G>A]TTGAGAGGGCCCTCTTCTCCCATTGGTGAAGGCAACAGGTTCACCACCGATCCACTCCCA-3'
Protein context (NP_001366010.1, residues 2134-2154): FTNGRRGPSQ[Arg2144Cys]SKLGKSCVLV